The following is an entry in ClinVar:

NM_152564.5(VPS13B):c.529G>T (p.Glu177Ter)

Gene: VPS13B (vacuolar protein sorting 13 homolog B; plus strand). Cytogenetic location: 8q22.2.
Variant type: single nucleotide variant.
Coding change: c.529G>T on transcript NM_152564.5 (MANE Select); coding-DNA position 529, G replaced by T.
Protein change: p.Glu177Ter; replaces glutamic acid 177 with a stop codon.
Molecular consequence: nonsense. On other transcripts: non-coding transcript variant (1).
Genome position (GRCh38, 1-based): chr8:99,103,069, G>T. VCF-style: chr8-99103069-G-T. GRCh37 (hg19) VCF-style: chr8-100115297-G-T.
Other names: c.529G>T, p.Glu177Ter (NM_015243.3, NM_017890.5, NM_181661.3); short protein forms E177*.
Identifiers: ClinVar variation 3344114 (VCV003344114.1).

ClinVar aggregate classification (germline): Likely pathogenic (0 of 4 stars; one submission).

Conditions:
VPS13B-related disorder. Also called: VPS13B-related condition.

Submission:

PreventionGenetics, part of Exact Sciences
Classification: Likely pathogenic for VPS13B-related condition. Last evaluated: 2024-04-03. Review status: no assertion criteria provided. Collection method: clinical testing. Allele origin: germline.
Comment: The VPS13B c.529G>T variant is predicted to result in premature protein termination (p.Glu177*). To our knowledge, this variant has not been reported in the literature or in a large population database, indicating this variant is rare. Nonsense variants in VPS13B are expected to be pathogenic. This variant is interpreted as likely pathogenic.